The following is an entry in ClinVar:

NM_024675.4(PALB2):c.1309A>C (p.Lys437Gln)

Gene: PALB2 (partner and localizer of BRCA2; minus strand). Cytogenetic location: 16p12.2.
Variant type: single nucleotide variant.
Coding change: c.1309A>C on transcript NM_024675.4 (MANE Select); coding-DNA position 1309, A replaced by C.
Protein change: p.Lys437Gln; replaces lysine 437 with glutamine.
Molecular consequence: missense variant.
Genome position (GRCh38, 1-based): chr16:23,635,237, T>G on the plus strand (A>C on the coding strand, the complement: PALB2 is on the minus strand). VCF-style: chr16-23635237-T-G. GRCh37 (hg19) VCF-style: chr16-23646558-T-G.
Other names: short protein forms K437Q.
Identifiers: ClinVar variation 818864 (VCV000818864.4), dbSNP rs1597096438, ClinGen allele CA395132407.

ClinVar aggregate classification (germline): Uncertain significance (1 of 4 stars; one submission).

Conditions:
Hereditary cancer-predisposing syndrome. Also called: Tumor predisposition; Hereditary neoplastic syndrome; Neoplastic Syndromes, Hereditary; Hereditary Cancer Syndrome. Identifiers: Orphanet 140162, MedGen C0027672, MeSH D009386, MONDO:0015356.

Submission:

Ambry Genetics
Classification: Uncertain significance for Hereditary cancer-predisposing syndrome. Last evaluated: 2018-08-01. Review status: criteria provided, single submitter. Criteria: Ambry Variant Classification Scheme 2023. Collection method: clinical testing. Allele origin: germline.
Comment: The p.K437Q variant (also known as c.1309A>C), located in coding exon 4 of the PALB2 gene, results from an A to C substitution at nucleotide position 1309. The lysine at codon 437 is replaced by glutamine, an amino acid with similar properties. This amino acid position is highly conserved in available vertebrate species. In addition, this alteration is predicted to be tolerated by in silico analysis. Since supporting evidence is limited at this time, the clinical significance of this alteration remains unclear.